The following is an entry in ClinVar:

NM_003803.4(MYOM1):c.605C>T (p.Ser202Phe)

Gene: MYOM1 (myomesin 1; minus strand). Cytogenetic location: 18p11.31.
Variant type: single nucleotide variant.
Coding change: c.605C>T on transcript NM_003803.4 (MANE Select); coding-DNA position 605, C replaced by T.
Protein change: p.Ser202Phe; replaces serine 202 with phenylalanine.
Molecular consequence: missense variant.
Genome position (GRCh38, 1-based): chr18:3,188,914, G>A on the plus strand (C>T on the coding strand, the complement: MYOM1 is on the minus strand). VCF-style: chr18-3188914-G-A. GRCh37 (hg19) VCF-style: chr18-3188912-G-A.
Other names: c.605C>T, p.Ser202Phe (NM_019856.2); short protein forms S202F.
Identifiers: ClinVar variation 3916549 (VCV003916549.1).

ClinVar aggregate classification (germline): Uncertain significance (1 of 4 stars; one submission).

Submission:

Ambry Genetics
Classification: Uncertain significance. Last evaluated: 2025-04-19. Review status: criteria provided, single submitter. Criteria: Ambry Variant Classification Scheme 2023. Collection method: clinical testing. Allele origin: germline.
Comment: The p.S202F variant (also known as c.605C>T), located in coding exon 3 of the MYOM1 gene, results from a C to T substitution at nucleotide position 605. The serine at codon 202 is replaced by phenylalanine, an amino acid with highly dissimilar properties. This amino acid position is conserved. In addition, this alteration is predicted to be tolerated by in silico analysis. Based on the available evidence, the clinical significance of this variant remains unclear.